The following is an entry in ClinVar:

NM_001040108.2(MLH3):c.2557C>T (p.Leu853=)

Gene: MLH3 (mutL homolog 3; minus strand). Cytogenetic location: 14q24.3.
Variant type: single nucleotide variant.
Coding change: c.2557C>T on transcript NM_001040108.2 (MANE Select); coding-DNA position 2557, C replaced by T.
Protein change: p.Leu853=; no amino-acid change (leucine 853 retained).
Molecular consequence: synonymous variant.
Genome position (GRCh38, 1-based): chr14:75,047,099, G>A on the plus strand (C>T on the coding strand, the complement: MLH3 is on the minus strand). VCF-style: chr14-75047099-G-A. GRCh37 (hg19) VCF-style: chr14-75513802-G-A.
Other names: c.2557C>T, p.Leu853= (NM_014381.3).
Identifiers: ClinVar variation 1793026 (VCV001793026.3), dbSNP rs140335567, ClinGen allele CA7275684.

ClinVar aggregate classification (germline): Benign/Likely benign. Review status: criteria provided, multiple submitters, no conflicts (2 of 4 stars). 2 submissions from 2 submitters: Benign (1); Likely benign (1). Last evaluated 2026-05-05.

Conditions:
Colorectal cancer, hereditary nonpolyposis, type 7. Identifiers: Orphanet 144, MedGen C1858380, MONDO:0013725, OMIM 614385.

Allele frequency attached by ClinVar (database versions not stated): ExAC 0.00001; ESP Exome Variant Server 0.00008.

Submissions (2):

Myriad Genetics, Inc.
Classification: Benign for Colorectal cancer, hereditary nonpolyposis, type 7. Last evaluated: 2026-05-05. Review status: criteria provided, single submitter. Criteria: Myriad Autosomal Dominant, Autosomal Recessive and X-Linked Classification Criteria (2023). Collection method: clinical testing. Allele origin: unknown.
Comment: This variant is considered benign. This variant is a silent/synonymous amino acid change and it is not expected to impact splicing.

Ambry Genetics
Classification: Likely benign. Last evaluated: 2020-07-09. Review status: criteria provided, single submitter. Criteria: Ambry Variant Classification Scheme 2023. Collection method: clinical testing. Allele origin: germline.